The following is an entry in ClinVar:

NM_205861.3(DHDDS):c.908C>T (p.Ser303Leu)

Gene: DHDDS (dehydrodolichyl diphosphate synthase subunit; plus strand). Cytogenetic location: 1p36.11.
Variant type: single nucleotide variant.
Coding change: c.908C>T on transcript NM_205861.3 (MANE Select); coding-DNA position 908, C replaced by T.
Protein change: p.Ser303Leu; replaces serine 303 with leucine.
Molecular consequence: missense variant.
Genome position (GRCh38, 1-based): chr1:26,469,037, C>T. VCF-style: chr1-26469037-C-T. GRCh37 (hg19) VCF-style: chr1-26795528-C-T.
Other names: c.806C>T, p.Ser269Leu (NM_001243564.2); c.791C>T, p.Ser264Leu (NM_001243565.2); c.629C>T, p.Ser210Leu (NM_001319959.2); c.911C>T, p.Ser304Leu (NM_024887.4); short protein forms S264L, S269L, S303L, S210L, S304L.
Identifiers: ClinVar variation 729971 (VCV000729971.23), dbSNP rs141852437, ClinGen allele CA705486.

ClinVar aggregate classification (germline): Conflicting classifications of pathogenicity. Review status: criteria provided, conflicting classifications (1 of 4 stars). 9 submissions from 9 submitters: Uncertain significance (2); Benign (2); Likely benign (2). 3 of the submissions do not count toward it. Last evaluated 2026-02-02.

Conditions:
Retinal dystrophy. Also called: Inherited retinal dystrophy. Identifiers: Orphanet 71862, MedGen C0854723, MeSH D058499, MONDO:0019118, HP:0000556.
Retinitis pigmentosa (RP). Identifiers: Orphanet 791, MedGen C0035334, MeSH D012174, MONDO:0019200, OMIM 268000. Inheritance: Autosomal dominant, autosomal recessive and X linked inheritance.
DHDDS-related disorder. Also called: DHDDS-related condition.
Inborn genetic diseases. Identifiers: MedGen C0950123, MeSH D030342.
Retinitis pigmentosa 59 (RP59). Identifiers: Orphanet 791, MedGen C3151227, MONDO:0013468, OMIM 613861.

Allele frequency attached by ClinVar (database versions not stated): ESP Exome Variant Server 0.00015; gnomAD 0.00023 and 0.00024; gnomAD exomes 0.00024 and 0.00048; TOPMed 0.00028; ExAC 0.00041.
gnomAD v4.1: 424 of 1,613,914 alleles (0.026%); highest among the groups gnomAD compares: East Asian, 0.011%; no homozygotes.

Submissions (9):

Labcorp Genetics (formerly Invitae), Labcorp
Classification: Benign for Retinitis pigmentosa 59. Last evaluated: 2026-02-02. Review status: criteria provided, single submitter. Criteria: Invitae Variant Classification Sherloc (09022015). Collection method: clinical testing. Allele origin: germline.

Blueprint Genetics
Classification: Likely benign. Last evaluated: 2024-05-03. Review status: criteria provided, single submitter. Criteria: ACMG Guidelines, 2015. Collection method: clinical testing. Allele origin: germline.

Dept Of Ophthalmology, Nagoya University
Classification: Uncertain significance for Retinal dystrophy. Last evaluated: 2023-10-01. Review status: criteria provided, single submitter. Criteria: Submitter's publication. Collection method: research. Allele origin: germline. Affected: yes.

Ambry Genetics
Classification: Likely benign for Inborn genetic diseases. Last evaluated: 2022-05-09. Review status: criteria provided, single submitter. Criteria: Ambry Variant Classification Scheme 2023. Collection method: clinical testing. Allele origin: germline.

Women's Health and Genetics/Laboratory Corporation of America, LabCorp
Classification: Benign. Last evaluated: 2021-06-19. Review status: criteria provided, single submitter. Criteria: LabCorp Variant Classification Summary - May 2015. Collection method: clinical testing. Allele origin: germline.
Comment: Variant summary: DHDDS c.911C>T (p.Ser304Leu) results in a non-conservative amino acid change in the encoded protein sequence. Three of five in-silico tools predict a benign effect of the variant on protein function. The variant allele was found at a frequency of 0.00048 in 250986 control chromosomes, predominantly at a frequency of 0.01033 within the Ashkenazi Jewish subpopulation in the gnomAD database. This frequency is significantly higher than expected for a pathogenic variant in DHDDS causing Retinitis Pigmentosa 59 (0.01033 vs 0.00079), supporting a benign outcome. To our knowledge, no occurrence of c.911C>T in individuals affected with Retinitis Pigmentosa 59 and no experimental evidence demonstrating its impact on protein function have been reported. Three clinical diagnostic laboratories have submitted clinical-significance assessments for this variant to ClinVar after 2014 without evidence for independent evaluation (benign/likely benign, n=2; VUS, n=1). Based on the evidence outlined above, the variant was classified as benign.

Illumina Laboratory Services, Illumina
Classification: Uncertain significance for Retinitis pigmentosa. Last evaluated: 2018-01-13. Review status: criteria provided, single submitter. Criteria: ICSL Variant Classification Criteria 13 December 2019. Collection method: clinical testing. Allele origin: germline.

Natera, Inc.
Classification: Likely benign for Retinitis pigmentosa type 59. Last evaluated: 2020-05-01. Review status: no assertion criteria provided. Collection method: clinical testing. Allele origin: germline. Not counted in ClinVar's aggregate classification.

PreventionGenetics, part of Exact Sciences
Classification: Benign for DHDDS-related condition. Last evaluated: 2019-07-11. Review status: no assertion criteria provided. Collection method: clinical testing. Allele origin: germline. Not counted in ClinVar's aggregate classification.
Comment: This variant is classified as benign based on ACMG/AMP sequence variant interpretation guidelines (Richards et al. 2015 PMID: 25741868, with internal and published modifications).

Department of Pathology and Laboratory Medicine, Sinai Health System
Classification: Uncertain significance. Review status: no assertion criteria provided. Collection method: clinical testing. Allele origin: unknown. Affected: yes. Study: The Canadian Open Genetics Repository (COGR). Not counted in ClinVar's aggregate classification.
Comment: The DHDDS p.Ser303Leu variant was not identified in the literature nor was it identified in ClinVar, Cosmic or LOVD 3.0. The variant was identified in dbSNP (ID: rs141852437) and in control databases in 125 of 282394 chromosomes at a frequency of 0.000443 increasing the likelihood this could be a low frequency benign variant (Genome Aggregation Database Feb 27, 2017). The variant was observed in the following populations: Ashkenazi Jewish in 107 of 10356 chromosomes (freq: 0.01033), Other in 5 of 7214 chromosomes (freq: 0.000693), European (non-Finnish) in 12 of 128826 chromosomes (freq: 0.000093) and African in 1 of 24912 chromosomes (freq: 0.00004), but was not observed in the Latino, East Asian, European (Finnish) or South Asian populations. The p.Ser303 residue is not conserved in mammals and computational analyses (PolyPhen-2, SIFT, AlignGVGD, BLOSUM, MutationTaster) provide inconsistent predictions regarding the impact to the protein; this information is not very predictive of pathogenicity. The variant occurs outside of the splicing consensus sequence and in silico or computational prediction software programs (SpliceSiteFinder, MaxEntScan, NNSPLICE, GeneSplicer) do not predict a difference in splicing. In summary, based on the above information the clinical significance of this variant cannot be determined with certainty at this time. This variant is classified as a variant of uncertain significance.